The following is an entry in ClinVar:

NM_004360.5(CDH1):c.1807T>C (p.Cys603Arg)

Gene: CDH1 (cadherin 1; plus strand). Cytogenetic location: 16q22.1.
Variant type: single nucleotide variant.
Coding change: c.1807T>C on transcript NM_004360.5 (MANE Select); coding-DNA position 1807, T replaced by C.
Protein change: p.Cys603Arg; replaces cysteine 603 with arginine.
Molecular consequence: missense variant. On other transcripts: 5 prime UTR variant (1).
Genome position (GRCh38, 1-based): chr16:68,822,096, T>C. VCF-style: chr16-68822096-T-C. GRCh37 (hg19) VCF-style: chr16-68855999-T-C.
Other names: c.1624T>C, p.Cys542Arg (NM_001317184.2); c.259T>C, p.Cys87Arg (NM_001317185.2); c.-159T>C (NM_001317186.2); short protein forms C542R, C603R, C87R.
Identifiers: ClinVar variation 3830007 (VCV003830007.1).

ClinVar aggregate classification (germline): Uncertain significance (1 of 4 stars; one submission).

Conditions:
Hereditary cancer-predisposing syndrome. Also called: Hereditary neoplastic syndrome; Neoplastic Syndromes, Hereditary; Tumor predisposition; Hereditary Cancer Syndrome. Identifiers: Orphanet 140162, MedGen C0027672, MeSH D009386, MONDO:0015356.

Submission:

Ambry Genetics
Classification: Uncertain significance for Hereditary cancer-predisposing syndrome. Last evaluated: 2025-03-09. Review status: criteria provided, single submitter. Criteria: Ambry Variant Classification Scheme 2023. Collection method: clinical testing. Allele origin: germline.
Comment: The p.C603R variant (also known as c.1807T>C), located in coding exon 12 of the CDH1 gene, results from a T to C substitution at nucleotide position 1807. The cysteine at codon 603 is replaced by arginine, an amino acid with highly dissimilar properties. This amino acid position is conserved. In addition, this alteration is predicted to be deleterious by in silico analysis. Based on the available evidence, the clinical significance of this variant remains unclear.